The following is an entry in ClinVar:

NM_001849.4(COL6A2):c.2633C>T (p.Ala878Val)

Gene: COL6A2 (collagen type VI alpha 2 chain; plus strand). Cytogenetic location: 21q22.3.
Variant type: single nucleotide variant.
Coding change: c.2633C>T on transcript NM_001849.4 (MANE Select); coding-DNA position 2633, C replaced by T.
Protein change: p.Ala878Val; replaces alanine 878 with valine.
Molecular consequence: missense variant.
Genome position (GRCh38, 1-based): chr21:46,132,125, C>T. VCF-style: chr21-46132125-C-T. GRCh37 (hg19) VCF-style: chr21-47552039-C-T.
Other names: NM_001849.3(COL6A2):c.2633C>T; p.Ala878Val; short protein forms A878V.
Identifiers: ClinVar variation 210748 (VCV000210748.56), dbSNP rs774521989, ClinGen allele CA208217.

ClinVar aggregate classification (germline): Conflicting classifications of pathogenicity. Review status: criteria provided, conflicting classifications (1 of 4 stars). 6 submissions from 6 submitters: Pathogenic (1); Likely pathogenic (1); Uncertain significance (4). Last evaluated 2024-05-15.

Conditions:
Myopathy. Identifiers: MedGen C0026848, MeSH D009135, MONDO:0005336, HP:0003198.
Bethlem myopathy 1A. Also called: Bethlem myopathy 1; Bethlem Muscular Dystrophy; MYOPATHY, BENIGN CONGENITAL, WITH CONTRACTURES. Identifiers: Orphanet 610, MedGen CN029274, MONDO:0024530, OMIM 158810.
Ullrich congenital muscular dystrophy 1A. Also called: Ullrich congenital muscular dystrophy 1; Intermediate COL6-RD. Identifiers: Orphanet 75840, MedGen C0410179, MONDO:0009681, OMIM 254090.

Allele frequency attached by ClinVar (database versions not stated): ExAC below 0.00001; gnomAD exomes below 0.00001 and 0.00002; TOPMed 0.00002; gnomAD 0.00005.
gnomAD v4.1: 12 of 1,579,748 alleles (0.00076%); highest among the groups gnomAD compares: African/African-American, 0.0068%; no homozygotes.

Submissions (6):

Labcorp Genetics (formerly Invitae), Labcorp
Classification: Pathogenic for Bethlem myopathy 1A. Last evaluated: 2024-05-15. Review status: criteria provided, single submitter. Criteria: Invitae Variant Classification Sherloc (09022015). Collection method: clinical testing. Allele origin: germline.
Comment: This sequence change replaces alanine, which is neutral and non-polar, with valine, which is neutral and non-polar, at codon 878 of the COL6A2 protein (p.Ala878Val). This variant is present in population databases (rs774521989, gnomAD 0.01%). This missense change has been observed in individual(s) with clinical features of autosomal recessive COL6A2-related conditions (PMID: 33481221; Invitae). In at least one individual the data is consistent with being in trans (on the opposite chromosome) from a pathogenic variant. ClinVar contains an entry for this variant (Variation ID: 210748). Advanced modeling of protein sequence and biophysical properties (such as structural, functional, and spatial information, amino acid conservation, physicochemical variation, residue mobility, and thermodynamic stability) performed at Invitae indicates that this missense variant is expected to disrupt COL6A2 protein function with a positive predictive value of 80%. For these reasons, this variant has been classified as Pathogenic.

CeGaT Center for Human Genetics Tuebingen
Classification: Uncertain significance. Last evaluated: 2022-06-01. Review status: criteria provided, single submitter. Criteria: CeGaT Center For Human Genetics Tuebingen Variant Classification Criteria Version 2. Collection method: clinical testing. Allele origin: germline. Affected: yes. Observed: 2 variant alleles.

Broad Center for Mendelian Genomics, Broad Institute of MIT and Harvard
Classification: Uncertain significance for Ullrich congenital muscular dystrophy 1A. Last evaluated: 2022-05-04. Review status: criteria provided, single submitter. Criteria: ACMG Guidelines, 2015. Collection method: curation. Allele origin: germline. Inheritance: Autosomal recessive inheritance.
Comment: The variant has not been previously reported in individuals with Ullrich congenital muscular dystrophy 1 but has been identified in 0.01% (2/19182) of African chromosomes by the Genome Aggregation Database (gnomAD; dbSNP ID: rs774521989). Although this variant has been seen in the general population, its frequency is not high enough to rule out a pathogenic role. This variant has also been reported in ClinVar (Variation ID: 210748) as likely pathogenic by Genetic Services Laboratory, University of Chicago, and as uncertain significance by Invitae and EGL Genetic Diagnostics, Eurofins Clinical Diagnostics. Computational prediction tools and conservation analyses suggest that this variant may impact the protein, though this information is not predictive enough to determine pathogenicity. In summary, while there is some suspicion for a pathogenic role, the clinical significance of this variant is uncertain. ACMG/AMP Criteria applied: PP3, PM3_supporting (Richards 2015).

Revvity Omics, Revvity
Classification: Uncertain significance. Last evaluated: 2021-04-08. Review status: criteria provided, single submitter. Criteria: ACMG Guidelines, 2015. Collection method: clinical testing. Allele origin: germline.

Eurofins Ntd Llc (ga)
Classification: Uncertain significance. Last evaluated: 2016-01-26. Review status: criteria provided, single submitter. Criteria: EGL Classification Definitions 2015. Collection method: clinical testing. Allele origin: germline. Observed: 2 variant alleles, 2 heterozygotes.

Genetic Services Laboratory, University of Chicago
Classification: Likely pathogenic for Myopathy. Last evaluated: 2015-01-07. Review status: criteria provided, single submitter. Criteria: ACMG Guidelines, 2015. Collection method: clinical testing. Allele origin: germline. Affected: yes.

Literature cited by the submitters: PubMed 33481221 (cited by Labcorp Genetics (formerly Invitae), Labcorp).